The following is an entry in ClinVar:

ClinVar aggregate classification (germline): Uncertain significance. Review status: criteria provided, multiple submitters, no conflicts (2 of 4 stars). 3 submissions from 3 submitters: Uncertain significance (3). Last evaluated 2022-09-06.

Conditions:
Smith-Magenis syndrome (SMS). Also called: CHROMOSOME 17p11.2 DELETION SYNDROME. Identifiers: Orphanet 819, MedGen C0795864, MONDO:0008434, OMIM 182290.

Allele frequency attached by ClinVar (database versions not stated): TOPMed 0.00001; gnomAD exomes 0.00002; ExAC 0.00003.
gnomAD v4.1: 22 of 1,581,736 alleles (0.0014%); highest among the groups gnomAD compares: East Asian, 0.0023%; no homozygotes.

Submissions (3):

Labcorp Genetics (formerly Invitae), Labcorp
Classification: Uncertain significance. Last evaluated: 2022-09-06. Review status: criteria provided, single submitter. Criteria: Invitae Variant Classification Sherloc (09022015). Collection method: clinical testing. Allele origin: germline.
Comment: In summary, the available evidence is currently insufficient to determine the role of this variant in disease. Therefore, it has been classified as a Variant of Uncertain Significance. This variant has not been reported in the literature in individuals affected with RAI1-related conditions. Algorithms developed to predict the effect of missense changes on protein structure and function are either unavailable or do not agree on the potential impact of this missense change (SIFT: "Deleterious"; PolyPhen-2: "Benign"; Align-GVGD: "Class C15"). ClinVar contains an entry for this variant (Variation ID: 436498). The frequency data for this variant in the population databases is considered unreliable, as metrics indicate poor data quality at this position in the gnomAD database. This sequence change replaces serine, which is neutral and polar, with leucine, which is neutral and non-polar, at codon 1049 of the RAI1 protein (p.Ser1049Leu).

Revvity Omics, Revvity
Classification: Uncertain significance for Smith-Magenis syndrome. Last evaluated: 2019-07-05. Review status: criteria provided, single submitter. Criteria: ACMG Guidelines, 2015. Collection method: clinical testing. Allele origin: germline.

Genetic Services Laboratory, University of Chicago
Classification: Uncertain significance. Last evaluated: 2016-08-26. Review status: criteria provided, single submitter. Criteria: ACMG Guidelines, 2015. Collection method: clinical testing. Allele origin: germline. Affected: no.

NM_030665.4(RAI1):c.3146C>T (p.Ser1049Leu)

Gene: RAI1 (retinoic acid induced 1; plus strand). Cytogenetic location: 17p11.2.
Variant type: single nucleotide variant.
Coding change: c.3146C>T on transcript NM_030665.4 (MANE Select); coding-DNA position 3146, C replaced by T.
Protein change: p.Ser1049Leu; replaces serine 1049 with leucine.
Molecular consequence: missense variant.
Genome position (GRCh38, 1-based): chr17:17,796,094, C>T. VCF-style: chr17-17796094-C-T. GRCh37 (hg19) VCF-style: chr17-17699408-C-T.
Other names: short protein forms S1049L.
Identifiers: ClinVar variation 436498 (VCV000436498.13), dbSNP rs755152385, ClinGen allele CA8418675.